The following is an entry in ClinVar:

ClinVar aggregate classification (germline): Uncertain significance. Review status: criteria provided, multiple submitters, no conflicts (2 of 4 stars). 2 submissions from 2 submitters: Uncertain significance (2). Last evaluated 2025-10-20.

Conditions:
Wilson disease (WND). Also called: Wilson's disease. Identifiers: Orphanet 905, MedGen C0019202, MONDO:0010200, OMIM 277900. Disease mechanism: loss of function.

Allele frequency attached by ClinVar (database versions not stated): gnomAD exomes below 0.00001.
gnomAD v4.1: 6 of 1,614,108 alleles (0.00037%); highest among the groups gnomAD compares: South Asian, 0.0022%; no homozygotes.

Submissions (2):

Labcorp Genetics (formerly Invitae), Labcorp
Classification: Uncertain significance for Wilson disease. Last evaluated: 2025-10-20. Review status: criteria provided, single submitter. Criteria: Invitae Variant Classification Sherloc (09022015). Collection method: clinical testing. Allele origin: germline.
Comment: This sequence change replaces arginine, which is basic and polar, with cysteine, which is neutral and slightly polar, at codon 1156 of the ATP7B protein (p.Arg1156Cys). This variant is present in population databases (no rsID available, gnomAD 0.007%). This variant has not been reported in the literature in individuals affected with ATP7B-related conditions. ClinVar contains an entry for this variant (Variation ID: 2070162). Invitae Evidence Modeling of protein sequence and biophysical properties (such as structural, functional, and spatial information, amino acid conservation, physicochemical variation, residue mobility, and thermodynamic stability) has been performed for this missense variant. However, the output from this modeling did not meet the statistical confidence thresholds required to predict the impact of this variant on ATP7B protein function. In summary, the available evidence is currently insufficient to determine the role of this variant in disease. Therefore, it has been classified as a Variant of Uncertain Significance.

All of Us Research Program, National Institutes of Health
Classification: Uncertain significance for Wilson disease. Last evaluated: 2023-08-15. Review status: criteria provided, single submitter. Criteria: ACMG Guidelines, 2015. Collection method: clinical testing. Allele origin: germline. Inheritance: Autosomal recessive inheritance. Observed: 1 variant allele, 1 heterozygote.
Comment: This missense variant replaces arginine with cysteine at codon 1156 of the ATP7B protein. Computational prediction suggests that this variant may have deleterious impact on protein structure and function (internally defined REVEL score threshold >= 0.7, PMID: 27666373). To our knowledge, functional studies have not been reported for this variant. This variant has not been reported in individuals affected with Wilson disease in the literature. This variant has been identified in 1/249588 chromosomes in the general population by the Genome Aggregation Database (gnomAD). The available evidence is insufficient to determine the role of this variant in disease conclusively. Therefore, this variant is classified as a Variant of Uncertain Significance.

This study involves interpretation of variants in research participants for the purpose of population health screening. Participant phenotype was not available at the time of variant classification. Additional details can be found in publication PMID: 35346344, PMCID: PMC8962531

NM_000053.4(ATP7B):c.3466C>T (p.Arg1156Cys)

Gene: ATP7B (ATPase copper transporting beta; minus strand). Cytogenetic location: 13q14.3.
Variant type: single nucleotide variant.
Coding change: c.3466C>T on transcript NM_000053.4 (MANE Select); coding-DNA position 3466, C replaced by T.
Protein change: p.Arg1156Cys; replaces arginine 1156 with cysteine.
Molecular consequence: missense variant.
Genome position (GRCh38, 1-based): chr13:51,941,171, G>A on the plus strand (C>T on the coding strand, the complement: ATP7B is on the minus strand). VCF-style: chr13-51941171-G-A. GRCh37 (hg19) VCF-style: chr13-52515307-G-A.
Other names: c.3322C>T, p.Arg1108Cys (NM_001406521.1, NM_001406522.1, NM_001406520.1); c.3283C>T, p.Arg1095Cys (NM_001406523.1); c.3289C>T, p.Arg1097Cys (NM_001406524.1); c.3271C>T, p.Arg1091Cys (NM_001406525.1); c.3466C>T, p.Arg1156Cys (NM_001406526.1, NM_001406511.1, NM_001406512.1); c.3232C>T, p.Arg1078Cys (NM_001406527.1, NM_001406528.1, NM_001330578.2); c.3226C>T, p.Arg1076Cys (NM_001406530.1); c.3214C>T, p.Arg1072Cys (NM_001406531.1, NM_001330579.2, NM_001406532.1); and 18 more; short protein forms R1046C, R1097C, R1111C, R875C, R1013C, R1091C, R1145C, R1156C.
Identifiers: ClinVar variation 2070162 (VCV002070162.3), dbSNP rs1314586868, ClinGen allele CA388026522.
Genomic context (GRCh38, chr13:51,941,171, plus strand): 5'-CTTTCATCTCGTGGTCTGTCATAGCGTCACTGACATCGCTAGAAATGGTTAAACCGTTGC[G>A]CCTCAGCCACTCACGGTTTCCAATCAGCACAGAGAAGGTCTGGGGGACTGCATCTATTCA-3'
Protein context (NP_000044.2, residues 1146-1166): VLIGNREWLR[Arg1156Cys]NGLTISSDVS